The following is an entry in ClinVar:

ClinVar aggregate classification (germline): Uncertain significance (1 of 4 stars; one submission).

Conditions:
Familial thoracic aortic aneurysm and aortic dissection (TAAD). Also called: Thoracic aortic aneurysms and dissections. Identifiers: Orphanet 91387, MedGen C4707243, MONDO:0019625.

Submission:

Ambry Genetics
Classification: Uncertain significance for Familial thoracic aortic aneurysm and aortic dissection. Last evaluated: 2021-05-21. Review status: criteria provided, single submitter. Criteria: Ambry Variant Classification Scheme 2023. Collection method: clinical testing. Allele origin: germline.
Comment: The p.E1045G variant (also known as c.3134A>G), located in coding exon 15 of the MYLK gene, results from an A to G substitution at nucleotide position 3134. The glutamic acid at codon 1045 is replaced by glycine, an amino acid with similar properties. This amino acid position is not well conserved in available vertebrate species, and glycine is the reference amino acid in other vertebrate species. In addition, the in silico prediction for this alteration is inconclusive. Since supporting evidence is limited at this time, the clinical significance of this alteration remains unclear.

NM_053025.4(MYLK):c.3134A>G (p.Glu1045Gly)

Gene: MYLK (myosin light chain kinase; minus strand). Cytogenetic location: 3q21.1.
Variant type: single nucleotide variant.
Coding change: c.3134A>G on transcript NM_053025.4 (MANE Select); coding-DNA position 3134, A replaced by G.
Protein change: p.Glu1045Gly; replaces glutamic acid 1045 with glycine.
Molecular consequence: missense variant.
Genome position (GRCh38, 1-based): chr3:123,700,334, T>C on the plus strand (A>G on the coding strand, the complement: MYLK is on the minus strand). VCF-style: chr3-123700334-T-C. GRCh37 (hg19) VCF-style: chr3-123419181-T-C.
Other names: c.2927A>G, p.Glu976Gly (NM_053026.4, NM_053028.4); c.3134A>G, p.Glu1045Gly (NM_053027.4); c.2606A>G, p.Glu869Gly (NM_001321309.2); short protein forms E869G, E1045G, E976G.
Identifiers: ClinVar variation 1727993 (VCV001727993.2), dbSNP rs2474171685, ClinGen allele CA354229991.